The following is an entry in ClinVar:

ClinVar aggregate classification (germline): Uncertain significance (1 of 4 stars; one submission).

Conditions:
Autosomal recessive limb-girdle muscular dystrophy type 2J (LGMDR10). Also called: Limb-girdle muscular dystrophy, type 2J; MUSCULAR DYSTROPHY, LIMB-GIRDLE, AUTOSOMAL RECESSIVE 10. Identifiers: Orphanet 140922, MedGen C1837342, MONDO:0012127, OMIM 608807.
Dilated cardiomyopathy 1G (CMD1G). Identifiers: Orphanet 154, MedGen C1858763, MONDO:0011400, OMIM 604145.

Submission:

Labcorp Genetics (formerly Invitae), Labcorp
Classification: Uncertain significance for Dilated cardiomyopathy 1G; Autosomal recessive limb-girdle muscular dystrophy type 2J. Last evaluated: 2023-10-20. Review status: criteria provided, single submitter. Criteria: Invitae Variant Classification Sherloc (09022015). Collection method: clinical testing. Allele origin: germline.
Comment: This sequence change creates a premature translational stop signal (p.Leu9129Profs*31) in the TTN gene. While this is not anticipated to result in nonsense mediated decay, it is expected to create a truncated TTN protein. This variant is not present in population databases (gnomAD no frequency). This variant has not been reported in the literature in individuals affected with TTN-related conditions. This variant is located in the I band of TTN (PMID: 25589632). Truncating variants in this region have been shown to be highly prevalent in the general population and unaffected individuals (PMID: 26701604, 22335739). However, truncating variants in this region have also been reported in individuals affected with autosomal recessive centronuclear myopathy (PMID: 23975875). In summary, the available evidence is currently insufficient to determine the role of this variant in disease. Therefore, it has been classified as a Variant of Uncertain Significance.

Literature cited by the submitters: PubMed 25589632; PubMed 26701604; PubMed 22335739; PubMed 23975875.

NM_001267550.2(TTN):c.27385dup (p.Leu9129fs)

Gene: TTN (titin; minus strand). Cytogenetic location: 2q31.2.
Variant type: Duplication.
Coding change: c.27385dup on transcript NM_001267550.2 (MANE Select); coding-DNA position 27385, one base duplicated (C; older notation c.27385dupC).
Protein change: p.Leu9129fs; shifts the reading frame from leucine 9129.
Molecular consequence: frameshift variant. On other transcripts: intron variant (3).
Genome position (GRCh38, 1-based): chr2:178,712,537, G duplicated on the plus strand (C on the coding strand, the reverse complement: TTN is on the minus strand); the first of 4 consecutive G bases (chr2:178,712,537-178,712,540); duplicating any one gives the same sequence. VCF-style (leftmost placement, unchanged base first): chr2-178712536-A-AG. GRCh37 (hg19) VCF-style: chr2-179577263-A-AG.
Other names: c.26434dup, p.Leu8812fs (NM_001256850.1); c.23653dup, p.Leu7885fs (NM_133378.4); c.13282+25545dup (NM_003319.4); c.13858+25545dup (NM_133437.4); c.13657+25545dup (NM_133432.3); short protein forms L8812fs, L9129fs, L7885fs.
Identifiers: ClinVar variation 2953097 (VCV002953097.3), dbSNP rs2528903133, ClinGen allele CA2740096249.